The following is an entry in ClinVar:

NM_032119.4(ADGRV1):c.202G>A (p.Val68Ile)

Gene: ADGRV1 (adhesion G protein-coupled receptor V1; plus strand). Cytogenetic location: 5q14.3.
Variant type: single nucleotide variant.
Coding change: c.202G>A on transcript NM_032119.4 (MANE Select); coding-DNA position 202, G replaced by A.
Protein change: p.Val68Ile; replaces valine 68 with isoleucine.
Molecular consequence: missense variant. On other transcripts: non-coding transcript variant (1).
Genome position (GRCh38, 1-based): chr5:90,615,014, G>A. VCF-style: chr5-90615014-G-A. GRCh37 (hg19) VCF-style: chr5-89910831-G-A.
Other names: short protein forms V68I.
Identifiers: ClinVar variation 1509504 (VCV001509504.6), dbSNP rs776231131, ClinGen allele CA360383055.

ClinVar aggregate classification (germline): Uncertain significance (1 of 4 stars; one submission).

gnomAD v4.1: 1 of 1,428,498 alleles (0.00007%); highest among the groups gnomAD compares: Non-Finnish European, 0.000093%; no homozygotes.

Submission:

Labcorp Genetics (formerly Invitae), Labcorp
Classification: Uncertain significance. Last evaluated: 2021-07-24. Review status: criteria provided, single submitter. Criteria: Invitae Variant Classification Sherloc (09022015). Collection method: clinical testing. Allele origin: germline.
Comment: In summary, the available evidence is currently insufficient to determine the role of this variant in disease. Therefore, it has been classified as a Variant of Uncertain Significance. Algorithms developed to predict the effect of missense changes on protein structure and function are either unavailable or do not agree on the potential impact of this missense change (SIFT: "Deleterious"; PolyPhen-2: "Benign"; Align-GVGD: "Class C0"). This variant has not been reported in the literature in individuals affected with ADGRV1-related conditions. This variant is not present in population databases (ExAC no frequency). This sequence change replaces valine with isoleucine at codon 68 of the ADGRV1 protein (p.Val68Ile). The valine residue is highly conserved and there is a small physicochemical difference between valine and isoleucine.